The following is an entry in ClinVar:

NM_004064.5(CDKN1B):c.245G>T (p.Gly82Val)

Gene: CDKN1B (cyclin dependent kinase inhibitor 1B; plus strand). Cytogenetic location: 12p13.1.
Variant type: single nucleotide variant.
Coding change: c.245G>T on transcript NM_004064.5 (MANE Select); coding-DNA position 245, G replaced by T.
Protein change: p.Gly82Val; replaces glycine 82 with valine.
Molecular consequence: missense variant.
Genome position (GRCh38, 1-based): chr12:12,718,084, G>T. VCF-style: chr12-12718084-G-T. GRCh37 (hg19) VCF-style: chr12-12871018-G-T.
Other names: short protein forms G82V.
Identifiers: ClinVar variation 582797 (VCV000582797.8), dbSNP rs767720666, ClinGen allele CA383969771.
Genomic context (GRCh38, chr12:12,718,084, plus strand): 5'-TCGATTTTCAGAATCACAAACCCCTAGAGGGCAAGTACGAGTGGCAAGAGGTGGAGAAGG[G>T]CAGCTTGCCCGAGTTCTACTACAGACCCCCGCGGCCCCCCAAAGGTGCCTGCAAGGTGCC-3'
Protein context (NP_004055.1, residues 72-92): GKYEWQEVEK[Gly82Val]SLPEFYYRPP

ClinVar aggregate classification (germline): Uncertain significance. Review status: criteria provided, multiple submitters, no conflicts (2 of 4 stars). 2 submissions from 2 submitters: Uncertain significance (2). Last evaluated 2023-12-14.

Conditions:
Multiple endocrine neoplasia type 4. Also called: MULTIPLE ENDOCRINE NEOPLASIA, TYPE IV. Identifiers: Orphanet 276152, MedGen C1970712, MONDO:0012552, OMIM 610755.
Hereditary cancer-predisposing syndrome. Also called: Neoplastic Syndromes, Hereditary; Hereditary Cancer Syndrome; Tumor predisposition; Hereditary neoplastic syndrome. Identifiers: Orphanet 140162, MedGen C0027672, MeSH D009386, MONDO:0015356.

Allele frequency attached by ClinVar (database versions not stated): gnomAD 0.00001; TOPMed 0.00002.

Submissions (2):

Ambry Genetics
Classification: Uncertain significance for Hereditary cancer-predisposing syndrome. Last evaluated: 2023-12-14. Review status: criteria provided, single submitter. Criteria: Ambry Variant Classification Scheme 2023. Collection method: clinical testing. Allele origin: germline.
Comment: The p.G82V variant (also known as c.245G>T), located in coding exon 1 of the CDKN1B gene, results from a G to T substitution at nucleotide position 245. The glycine at codon 82 is replaced by valine, an amino acid with dissimilar properties. This amino acid position is not well conserved in available vertebrate species. In addition, this alteration is predicted to be tolerated by in silico analysis. Since supporting evidence is limited at this time, the clinical significance of this alteration remains unclear.

Labcorp Genetics (formerly Invitae), Labcorp
Classification: Uncertain significance for Multiple endocrine neoplasia type 4. Last evaluated: 2021-12-25. Review status: criteria provided, single submitter. Criteria: Invitae Variant Classification Sherloc (09022015). Collection method: clinical testing. Allele origin: germline.
Comment: This sequence change replaces glycine, which is neutral and non-polar, with valine, which is neutral and non-polar, at codon 82 of the CDKN1B protein (p.Gly82Val). This variant is present in population databases (no rsID available, gnomAD 0.0009%). This variant has not been reported in the literature in individuals affected with CDKN1B-related conditions. ClinVar contains an entry for this variant (Variation ID: 582797). Algorithms developed to predict the effect of missense changes on protein structure and function are either unavailable or do not agree on the potential impact of this missense change (SIFT: "Deleterious"; PolyPhen-2: "Benign"; Align-GVGD: "Class C65"). Algorithms developed to predict the effect of sequence changes on RNA splicing suggest that this variant may create or strengthen a splice site. In summary, the available evidence is currently insufficient to determine the role of this variant in disease. Therefore, it has been classified as a Variant of Uncertain Significance.